The following is an entry in ClinVar:

NM_004714.3(DYRK1B):c.880A>T (p.Ile294Phe)

Gene: DYRK1B (dual specificity tyrosine phosphorylation regulated kinase 1B; minus strand). Cytogenetic location: 19q13.2.
Variant type: single nucleotide variant.
Coding change: c.880A>T on transcript NM_004714.3 (MANE Select); coding-DNA position 880, A replaced by T.
Protein change: p.Ile294Phe; replaces isoleucine 294 with phenylalanine.
Molecular consequence: missense variant.
Genome position (GRCh38, 1-based): chr19:39,827,584, T>A on the plus strand (A>T on the coding strand, the complement: DYRK1B is on the minus strand). VCF-style: chr19-39827584-T-A. GRCh37 (hg19) VCF-style: chr19-40318224-T-A.
Other names: c.880A>T, p.Ile294Phe (NM_006483.3, NM_006484.3); short protein forms I294F.
Identifiers: ClinVar variation 4986264 (VCV004986264.1).

ClinVar aggregate classification (germline): Uncertain significance (1 of 4 stars; one submission).

Conditions:
DYRK1B-related disorder. Also called: DYRK1B-related condition.

Submission:

PreventionGenetics, part of Exact Sciences
Classification: Uncertain significance for DYRK1B-related condition. Last evaluated: 2025-10-07. Review status: criteria provided, single submitter. Criteria: ACMG Guidelines, 2015. Collection method: clinical testing. Allele origin: germline.
Comment: The DYRK1B c.880A>T variant is predicted to result in the amino acid substitution p.Ile294Phe. To our knowledge, this variant has not been reported in the literature or in a large population database (gnomAD), indicating this variant is rare. At this time, the clinical significance of this variant is uncertain due to the absence of conclusive functional and genetic evidence.